The following is an entry in ClinVar:

NM_182493.3(MYLK3):c.566A>T (p.Glu189Val)

Gene: MYLK3 (myosin light chain kinase 3; minus strand). Cytogenetic location: 16q11.2.
Variant type: single nucleotide variant.
Coding change: c.566A>T on transcript NM_182493.3 (MANE Select); coding-DNA position 566, A replaced by T.
Protein change: p.Glu189Val; replaces glutamic acid 189 with valine.
Molecular consequence: missense variant. On other transcripts: 5 prime UTR variant (1).
Genome position (GRCh38, 1-based): chr16:46,740,059, T>A on the plus strand (A>T on the coding strand, the complement: MYLK3 is on the minus strand). VCF-style: chr16-46740059-T-A. GRCh37 (hg19) VCF-style: chr16-46773971-T-A.
Other names: c.-25A>T (NM_001308301.1); short protein forms E189V.
Identifiers: ClinVar variation 1925186 (VCV001925186.5), dbSNP rs1197313060, ClinGen allele CA395795812.

ClinVar aggregate classification (germline): Uncertain significance (1 of 4 stars; one submission).

Allele frequency attached by ClinVar (database versions not stated): gnomAD 0.00001; TOPMed 0.00001.

Submission:

Labcorp Genetics (formerly Invitae), Labcorp
Classification: Uncertain significance. Last evaluated: 2022-07-15. Review status: criteria provided, single submitter. Criteria: Invitae Variant Classification Sherloc (09022015). Collection method: clinical testing. Allele origin: germline.
Comment: This variant has not been reported in the literature in individuals affected with MYLK3-related conditions. In summary, the available evidence is currently insufficient to determine the role of this variant in disease. Therefore, it has been classified as a Variant of Uncertain Significance. Algorithms developed to predict the effect of sequence changes on RNA splicing suggest that this variant may create or strengthen a splice site. Algorithms developed to predict the effect of missense changes on protein structure and function are either unavailable or do not agree on the potential impact of this missense change (SIFT: "Tolerated"; PolyPhen-2: "Possibly Damaging"; Align-GVGD: "Class C0"). This variant is present in population databases (no rsID available, gnomAD 0.007%). This sequence change replaces glutamic acid, which is acidic and polar, with valine, which is neutral and non-polar, at codon 189 of the MYLK3 protein (p.Glu189Val).